The following is an entry in ClinVar:

ClinVar aggregate classification (germline): Conflicting classifications of pathogenicity. Review status: criteria provided, conflicting classifications (1 of 4 stars). 4 submissions from 4 submitters: Uncertain significance (3); Likely benign (1). Last evaluated 2025-11-16.

Conditions:
Hereditary cancer-predisposing syndrome. Also called: Hereditary neoplastic syndrome; Hereditary Cancer Syndrome; Tumor predisposition; Neoplastic Syndromes, Hereditary. Identifiers: Orphanet 140162, MedGen C0027672, MeSH D009386, MONDO:0015356.
Hereditary breast ovarian cancer syndrome. Also called: Breast and ovarian cancer; Hereditary breast and ovarian cancer; BRCA1- and BRCA2-Associated Hereditary Breast and Ovarian Cancer; Hereditary breast and/or ovarian cancer syndrome; Hereditary breast and ovarian cancer syndrome; Hereditary breast and ovarian cancer syndrome (HBOC). Identifiers: Orphanet 145, MedGen C0677776, MeSH D061325, MONDO:0003582. Disease mechanism: loss of function.

Submissions (4):

Labcorp Genetics (formerly Invitae), Labcorp
Classification: Uncertain significance for Hereditary breast ovarian cancer syndrome. Last evaluated: 2025-11-16. Review status: criteria provided, single submitter. Criteria: Invitae Variant Classification Sherloc (09022015). Collection method: clinical testing. Allele origin: germline.
Comment: This sequence change replaces histidine, which is basic and polar, with arginine, which is basic and polar, at codon 1003 of the BRCA2 protein (p.His1003Arg). This variant is not present in population databases (gnomAD no frequency). This variant has not been reported in the literature in individuals affected with BRCA2-related conditions. ClinVar contains an entry for this variant (Variation ID: 438968). Invitae Evidence Modeling of protein sequence and biophysical properties (such as structural, functional, and spatial information, amino acid conservation, physicochemical variation, residue mobility, and thermodynamic stability) indicates that this missense variant is not expected to disrupt BRCA2 protein function with a negative predictive value of 95%. In summary, the available evidence is currently insufficient to determine the role of this variant in disease. Therefore, it has been classified as a Variant of Uncertain Significance.

Quest Diagnostics Nichols Institute San Juan Capistrano
Classification: Uncertain significance. Last evaluated: 2025-03-19. Review status: criteria provided, single submitter. Criteria: Quest Diagnostics criteria. Collection method: clinical testing. Allele origin: unknown.
Comment: The BRCA2 c.3008A>G (p.His1003Arg) variant has been reported in the published literature in a cohort of hereditary breast and ovarian cancer patients (PMID: 30702160 (2019)), and described to be located in a region of the BRCA2 gene that is tolerant to missense sequence changes (PMID: 31911673 (2020)).This variant has not been reported in large, multi-ethnic general populations (Genome Aggregation Database). Analysis of this variant using bioinformatics tools for the prediction of the effect of amino acid changes on protein structure and function yielded predictions that this variant is benign. Based on the available information, we are unable to determine the clinical significance of this variant.

University of Washington Department of Laboratory Medicine, University of Washington
Classification: Likely benign for Hereditary cancer-predisposing syndrome. Last evaluated: 2023-03-23. Review status: criteria provided, single submitter. Criteria: Dines et al. (Genet Med. 2020). Collection method: curation. Allele origin: germline.
Comment: Missense variant in a coldspot region where missense variants are very unlikely to be pathogenic (PMID:31911673).

BRCA2 exon 11 coldspot. Reclassification based on statistical prior probability.

Ambry Genetics
Classification: Uncertain significance for Hereditary cancer-predisposing syndrome. Last evaluated: 2020-01-13. Review status: criteria provided, single submitter. Criteria: Ambry Variant Classification Scheme 2023. Collection method: clinical testing. Allele origin: germline.
Comment: The p.H1003R variant (also known as c.3008A>G), located in coding exon 10 of the BRCA2 gene, results from an A to G substitution at nucleotide position 3008. The histidine at codon 1003 is replaced by arginine, an amino acid with highly similar properties. This amino acid position is not well conserved in available vertebrate species. In addition, the in silico prediction for this alteration is inconclusive. Since supporting evidence is limited at this time, the clinical significance of this alteration remains unclear.

Literature cited by the submitters: PubMed 31911673 (cited by Quest Diagnostics Nichols Institute San Juan Capistrano); PubMed 30702160 (cited by Quest Diagnostics Nichols Institute San Juan Capistrano); PubMed 35729312 (cited by Quest Diagnostics Nichols Institute San Juan Capistrano); PubMed 29884841 (cited by Quest Diagnostics Nichols Institute San Juan Capistrano).

NM_000059.4(BRCA2):c.3008A>G (p.His1003Arg)

Gene: BRCA2 (BRCA2 DNA repair associated; plus strand). Cytogenetic location: 13q13.1.
Variant type: single nucleotide variant.
Coding change: c.3008A>G on transcript NM_000059.4 (MANE Select); coding-DNA position 3008, A replaced by G.
Protein change: p.His1003Arg; replaces histidine 1003 with arginine.
Molecular consequence: missense variant.
Genome position (GRCh38, 1-based): chr13:32,337,363, A>G. VCF-style: chr13-32337363-A-G. GRCh37 (hg19) VCF-style: chr13-32911500-A-G.
Other names: short protein forms H1003R.
Identifiers: ClinVar variation 438968 (VCV000438968.12), dbSNP rs1555283008, ClinGen allele CA387774719.
Genomic context (GRCh38, chr13:32,337,363, plus strand): 5'-CAGAAAAAAATAATGATTACATGAACAAATGGGCAGGACTCTTAGGTCCAATTTCAAATC[A>G]CAGTTTTGGAGGTAGCTTCAGAACAGCTTCAAATAAGGAAATCAAGCTCTCTGAACATAA-3'
Protein context (NP_000050.3, residues 993-1013): WAGLLGPISN[His1003Arg]SFGGSFRTAS